The following is an entry in ClinVar:

ClinVar aggregate classification (germline): Benign/Likely benign. Review status: criteria provided, multiple submitters, no conflicts (2 of 4 stars). 6 submissions from 6 submitters: Benign (1); Likely benign (3). 2 of the submissions do not count toward it. Last evaluated 2026-03-17.

Conditions:
FLNA-related disorder.
Heterotopia, periventricular, X-linked dominant (PVNH1). Also called: PERIVENTRICULAR NODULAR HETEROTOPIA 4; HETEROTOPIA, PERIVENTRICULAR, 1; PERIVENTRICULAR NODULAR HETEROTOPIA 1; X-linked periventricular heterotopia. Identifiers: Orphanet 2149, Orphanet 82004, MedGen C1848213, MONDO:0010233, OMIM 300049.
Melnick-Needles syndrome (MNS). Also called: Melnick-Needles Syndrome (FLNA-MNS); MELNICK-NEEDLES OSTEODYSPLASTY; OSTEODYSPLASTY OF MELNICK AND NEEDLES. Identifiers: Orphanet 2484, MedGen C0025237, MONDO:0010650, OMIM 309350.
Frontometaphyseal dysplasia (FMD1). Identifiers: Orphanet 1826, MedGen C0265293, MONDO:0015942.
Oto-palato-digital syndrome, type II (OPD2). Also called: Otopalatodigital Syndrome Type 2 (FLNA-OPD2); Otopalatodigital Syndrome, Type II; FACIOPALATOOSSEOUS SYNDROME; OPD II SYNDROME. Identifiers: Orphanet 669, Orphanet 90652, MedGen C1844696, MONDO:0010571, OMIM 304120.
Familial thoracic aortic aneurysm and aortic dissection (TAAD). Also called: Thoracic aortic aneurysms and dissections. Identifiers: Orphanet 91387, MedGen C4707243, MONDO:0019625.

Allele frequency attached by ClinVar (database versions not stated): gnomAD exomes 0.00007 and 0.00008; gnomAD 0.00009 and 0.00014; ExAC 0.00013; TOPMed 0.00014; ESP Exome Variant Server 0.00020; 1000 Genomes Project 30x 0.00104; 1000 Genomes Project 0.00132.
gnomAD v4.1: 90 of 1,209,590 alleles (0.0074%); highest among the groups gnomAD compares: South Asian, 0.11%; no homozygotes.

Submissions (6):

Women's Health and Genetics/Laboratory Corporation of America, LabCorp
Classification: Likely benign. Last evaluated: 2026-03-17. Review status: criteria provided, single submitter. Criteria: LabCorp Variant Classification Summary - May 2015. Collection method: clinical testing. Allele origin: germline.

Labcorp Genetics (formerly Invitae), Labcorp
Classification: Likely benign for Oto-palato-digital syndrome, type II; Heterotopia, periventricular, X-linked dominant; Frontometaphyseal dysplasia; Melnick-Needles syndrome. Last evaluated: 2025-10-23. Review status: criteria provided, single submitter. Criteria: Invitae Variant Classification Sherloc (09022015). Collection method: clinical testing. Allele origin: germline.

GeneDx
Classification: Benign. Last evaluated: 2020-02-27. Review status: criteria provided, single submitter. Criteria: GeneDx Variant Classification Process June 2021. Collection method: clinical testing. Allele origin: germline. Affected: yes.

Ambry Genetics
Classification: Likely benign for Familial thoracic aortic aneurysm and aortic dissection. Last evaluated: 2018-02-12. Review status: criteria provided, single submitter. Criteria: Ambry Variant Classification Scheme 2023. Collection method: clinical testing. Allele origin: germline.

PreventionGenetics, part of Exact Sciences
Classification: Likely benign for FLNA-related condition. Last evaluated: 2024-05-19. Review status: no assertion criteria provided. Collection method: clinical testing. Allele origin: germline. Not counted in ClinVar's aggregate classification.
Comment: This variant is classified as likely benign based on ACMG/AMP sequence variant interpretation guidelines (Richards et al. 2015 PMID: 25741868, with internal and published modifications).

Gharavi Laboratory, Columbia University
Classification: Uncertain significance. Last evaluated: 2018-09-16. Review status: no assertion criteria provided. Criteria: ACMG Guidelines, 2015. Collection method: research. Allele origin: germline. Affected: yes. Not counted in ClinVar's aggregate classification.

NM_001110556.2(FLNA):c.2609A>G (p.His870Arg)

Gene: FLNA (filamin A; minus strand). Cytogenetic location: Xq28.
Variant type: single nucleotide variant.
Coding change: c.2609A>G on transcript NM_001110556.2 (MANE Select); coding-DNA position 2609, A replaced by G.
Protein change: p.His870Arg; replaces histidine 870 with arginine.
Molecular consequence: missense variant.
Genome position (GRCh38, 1-based): chrX:154,362,289, T>C on the plus strand (A>G on the coding strand, the complement: FLNA is on the minus strand). VCF-style: chrX-154362289-T-C. GRCh37 (hg19) VCF-style: chrX-153590657-T-C.
Other names: c.2609A>G, p.His870Arg (NM_001456.4); c.2609A>G (NM_001110556.1); short protein forms H870R.
Identifiers: ClinVar variation 587846 (VCV000587846.17), dbSNP rs200679107, ClinGen allele CA10560880.